The following is an entry in ClinVar:

NM_000810.4(GABRA5):c.384C>G (p.Ile128Met)

Gene: GABRA5 (gamma-aminobutyric acid type A receptor subunit alpha5; plus strand). Cytogenetic location: 15q12.
Variant type: single nucleotide variant.
Coding change: c.384C>G on transcript NM_000810.4 (MANE Select); coding-DNA position 384, C replaced by G.
Protein change: p.Ile128Met; replaces isoleucine 128 with methionine.
Molecular consequence: missense variant.
Genome position (GRCh38, 1-based): chr15:26,883,444, C>G. VCF-style: chr15-26883444-C-G. GRCh37 (hg19) VCF-style: chr15-27128591-C-G.
Other names: c.384C>G, p.Ile128Met (NM_001165037.2); short protein forms I128M.
Identifiers: ClinVar variation 5020391 (VCV005020391.1).
Genomic context (GRCh38, chr15:26,883,444, plus strand): 5'-GCTTCGGTTTAAGGGGCCCATGCAGCGCCTCCCTCTCAACAACCTCCTTGCCAGCAAGAT[C>G]TGGACCCCAGACACGTTCTTCCACAACGGGAAGAAGTCCATCGCTCACAACATGACCACG-3'
Protein context (NP_000801.1, residues 118-138): LPLNNLLASK[Ile128Met]WTPDTFFHNG

ClinVar aggregate classification (germline): Uncertain significance (1 of 4 stars; one submission).

gnomAD v4.1: 2 of 1,614,200 alleles (0.00012%); highest among the groups gnomAD compares: Non-Finnish European, 0.00017%; no homozygotes.

Submission:

Dasa
Classification: Uncertain significance. Last evaluated: 2026-06-12. Review status: criteria provided, single submitter. Criteria: DASA Assertion Criteria. Collection method: clinical testing. Allele origin: germline.
Comment: NM_000810.4(GABRA5):c.384C>G (p.Ile128Met) is a missense variant that results in the substitution of isoleucine with methionine. This variant is rare in population databases. Computational prediction algorithms are consistent with a deleterious effect. The currently available literature and clinical evidence are not sufficient to establish a definitive association between this variant and the reported condition. Therefore, this variant is classified as a variant of uncertain significance.